The following is an entry in ClinVar:

ClinVar aggregate classification (germline): Uncertain significance. Review status: criteria provided, multiple submitters, no conflicts (2 of 4 stars). 2 submissions from 2 submitters: Uncertain significance (2). Last evaluated 2025-03-06.

Allele frequency attached by ClinVar (database versions not stated): gnomAD 0.00001; ExAC 0.00002; gnomAD exomes 0.00002; TOPMed 0.00002.
gnomAD v4.1: 246 of 1,613,998 alleles (0.015%); highest among the groups gnomAD compares: Non-Finnish European, 0.02%; no homozygotes.

Submissions (2):

Labcorp Genetics (formerly Invitae), Labcorp
Classification: Uncertain significance. Last evaluated: 2025-03-06. Review status: criteria provided, single submitter. Criteria: Invitae Variant Classification Sherloc (09022015). Collection method: clinical testing. Allele origin: germline.
Comment: This sequence change replaces lysine, which is basic and polar, with glutamic acid, which is acidic and polar, at codon 314 of the ERMARD protein (p.Lys314Glu). This variant is present in population databases (rs200514757, gnomAD 0.006%). This variant has not been reported in the literature in individuals affected with ERMARD-related conditions. ClinVar contains an entry for this variant (Variation ID: 1472444). Invitae Evidence Modeling of protein sequence and biophysical properties (such as structural, functional, and spatial information, amino acid conservation, physicochemical variation, residue mobility, and thermodynamic stability) indicates that this missense variant is not expected to disrupt ERMARD protein function with a negative predictive value of 80%. In summary, the available evidence is currently insufficient to determine the role of this variant in disease. Therefore, it has been classified as a Variant of Uncertain Significance.

Ambry Genetics
Classification: Uncertain significance. Last evaluated: 2024-06-17. Review status: criteria provided, single submitter. Criteria: Ambry Variant Classification Scheme 2023. Collection method: clinical testing. Allele origin: germline.

NM_018341.3(ERMARD):c.940A>G (p.Lys314Glu)

Gene: ERMARD (ER membrane associated RNA degradation; plus strand). Cytogenetic location: 6q27.
Variant type: single nucleotide variant.
Coding change: c.940A>G on transcript NM_018341.3 (MANE Select); coding-DNA position 940, A replaced by G.
Protein change: p.Lys314Glu; replaces lysine 314 with glutamic acid.
Molecular consequence: missense variant.
Genome position (GRCh38, 1-based): chr6:169,762,511, A>G. VCF-style: chr6-169762511-A-G. GRCh37 (hg19) VCF-style: chr6-170162607-A-G.
Other names: c.940A>G, p.Lys314Glu (NM_001278531.2, NM_001278533.2); c.562A>G, p.Lys188Glu (NM_001278532.2); c.940A>G (NM_018341.1); short protein forms K314E, K188E.
Identifiers: ClinVar variation 1472444 (VCV001472444.7), dbSNP rs200514757, ClinGen allele CA4106048.